The following is an entry in ClinVar:

ClinVar aggregate classification (germline): Benign. Review status: criteria provided, multiple submitters, no conflicts (2 of 4 stars). 2 submissions from 2 submitters: Benign (2). Last evaluated 2015-03-03.

Allele frequency attached by ClinVar (database versions not stated): gnomAD exomes 0.71741 and 0.72200; ExAC 0.72873; TOPMed 0.75459; gnomAD 0.75785 and 0.75910; ESP Exome Variant Server 0.75880; 1000 Genomes Project 0.78454; 1000 Genomes Project 30x 0.78592.

Submissions (2):

GeneDx
Classification: Benign. Last evaluated: 2015-03-03. Review status: criteria provided, single submitter. Criteria: GeneDx Variant Classification Process June 2021. Collection method: clinical testing. Allele origin: germline. Affected: yes.
Comment: This variant is associated with the following publications: (PMID: 28792703, 16863615)

Breakthrough Genomics
Classification: Benign. Review status: criteria provided, single submitter. Criteria: ACMG Guidelines, 2015. Collection method: not provided. Allele origin: germline. Inheritance: Autosomal dominant inheritance. Affected: yes.

NM_000261.2(MYOC):c.730+35G>A

Gene: MYOC (myocilin; minus strand). Cytogenetic location: 1q24.3.
Variant type: single nucleotide variant.
Coding change: c.730+35G>A on transcript NM_000261.2 (MANE Select); 35 bases into the intron after coding-DNA position 730, G replaced by A.
Molecular consequence: intron variant.
Genome position (GRCh38, 1-based): chr1:171,638,562, C>T on the plus strand (G>A on the coding strand, the complement: MYOC is on the minus strand). VCF-style: chr1-171638562-C-T. GRCh37 (hg19) VCF-style: chr1-171607702-C-T.
Identifiers: ClinVar variation 1259809 (VCV001259809.3), dbSNP rs2032555, ClinGen allele CA1244179.